The following is an entry in ClinVar:

NM_017763.6(RNF43):c.1406G>A (p.Gly469Glu)

Gene: RNF43 (ring finger protein 43; minus strand). Cytogenetic location: 17q22.
Variant type: single nucleotide variant.
Coding change: c.1406G>A on transcript NM_017763.6 (MANE Select); coding-DNA position 1406, G replaced by A.
Protein change: p.Gly469Glu; replaces glycine 469 with glutamic acid.
Molecular consequence: missense variant.
Genome position (GRCh38, 1-based): chr17:58,358,370, C>T on the plus strand (G>A on the coding strand, the complement: RNF43 is on the minus strand). VCF-style: chr17-58358370-C-T. GRCh37 (hg19) VCF-style: chr17-56435731-C-T.
Other names: c.1406G>A, p.Gly469Glu (NM_001305544.3, NM_001438820.1, NM_001438821.1 and 1 more transcripts); c.1025G>A, p.Gly342Glu (NM_001305545.2, NM_001437987.1); short protein forms G469E, G342E.
Identifiers: ClinVar variation 5028366 (VCV005028366.1).

ClinVar aggregate classification (germline): Uncertain significance (1 of 4 stars; one submission).

Submission:

Ambry Genetics
Classification: Uncertain significance. Last evaluated: 2026-09-04. Review status: criteria provided, single submitter. Criteria: Ambry Variant Classification Scheme 2023. Collection method: clinical testing. Allele origin: germline.
Comment: The p.G469E variant (also known as c.1406G>A), located in coding exon 8 of the RNF43 gene, results from a G to A substitution at nucleotide position 1406. The glycine at codon 469 is replaced by glutamic acid, an amino acid with similar properties. This amino acid position is conserved. In addition, this alteration is predicted to be tolerated by in silico analysis. Based on the available evidence, the clinical significance of this variant remains unclear.